The following is an entry in ClinVar:

ClinVar aggregate classification (germline): Uncertain significance (1 of 4 stars; one submission).

Conditions:
Autosomal dominant intellectual disability-craniofacial anomalies-cardiac defects syndrome (ARTHS). Also called: Arboleda-Tham syndrome; Mental retardation, autosomal dominant 32; KAT6A syndrome. Identifiers: Orphanet 457193, MedGen C4225396, MONDO:0014558, OMIM 616268.

Submission:

Neuberg Centre For Genomic Medicine, NCGM
Classification: Uncertain significance for Autosomal dominant intellectual disability-craniofacial anomalies-cardiac defects syndrome. Review status: criteria provided, single submitter. Criteria: ACMG Guidelines, 2015. Collection method: clinical testing. Allele origin: germline. Inheritance: Autosomal dominant inheritance. Affected: yes.
Comment: The splice region c.710-3T>C variant in KAT6A gene has not been reported previously as a pathogenic variant nor as a benign variant, to our knowledge. This variant is absent in gnomAD Exomes and 1000 Genomes. This splice region variant in intron 3 affects the position three nucleotides upstream of exon 4. For these reasons, this variant has been classified as Uncertain Significance.

NM_006766.5(KAT6A):c.710-3T>C

Gene: KAT6A (lysine acetyltransferase 6A; minus strand). Cytogenetic location: 8p11.21.
Variant type: single nucleotide variant.
Coding change: c.710-3T>C on transcript NM_006766.5 (MANE Select); 3 bases into the intron before coding-DNA position 710, T replaced by C.
Molecular consequence: intron variant.
Genome position (GRCh38, 1-based): chr8:41,981,957, A>G on the plus strand (T>C on the coding strand, the complement: KAT6A is on the minus strand). VCF-style: chr8-41981957-A-G. GRCh37 (hg19) VCF-style: chr8-41839475-A-G.
Other names: c.710-3T>C (NM_001305878.2).
Identifiers: ClinVar variation 3241983 (VCV003241983.1), dbSNP rs2486826980.